The following is an entry in ClinVar:

NM_017882.3(CLN6):c.388G>A (p.Gly130Ser)

Gene: CLN6 (CLN6 transmembrane ER protein; minus strand). Cytogenetic location: 15q23.
Variant type: single nucleotide variant.
Coding change: c.388G>A on transcript NM_017882.3 (MANE Select); coding-DNA position 388, G replaced by A.
Protein change: p.Gly130Ser; replaces glycine 130 with serine.
Molecular consequence: missense variant.
Genome position (GRCh38, 1-based): chr15:68,211,773, C>T on the plus strand (G>A on the coding strand, the complement: CLN6 is on the minus strand). VCF-style: chr15-68211773-C-T. GRCh37 (hg19) VCF-style: chr15-68504111-C-T.
Other names: c.484G>A, p.Gly162Ser (NM_001411068.1); short protein forms G162S, G130S.
Identifiers: ClinVar variation 1953053 (VCV001953053.5), dbSNP rs2093206190, ClinGen allele CA392973514.

ClinVar aggregate classification (germline): Uncertain significance (1 of 4 stars; one submission).

Conditions:
Neuronal ceroid lipofuscinosis. Also called: Neuronal Ceroid Lipofuscinoses. Identifiers: Orphanet 216, Orphanet 79263, MedGen C0027877, MONDO:0016295. Disease mechanism: loss of function.

Allele frequency attached by ClinVar (database versions not stated): TOPMed below 0.00001.

Submission:

Labcorp Genetics (formerly Invitae), Labcorp
Classification: Uncertain significance for Neuronal ceroid lipofuscinosis. Last evaluated: 2022-05-09. Review status: criteria provided, single submitter. Criteria: Invitae Variant Classification Sherloc (09022015). Collection method: clinical testing. Allele origin: germline.
Comment: In summary, the available evidence is currently insufficient to determine the role of this variant in disease. Therefore, it has been classified as a Variant of Uncertain Significance. Algorithms developed to predict the effect of sequence changes on RNA splicing suggest that this variant may create or strengthen a splice site. Algorithms developed to predict the effect of missense changes on protein structure and function are either unavailable or do not agree on the potential impact of this missense change (SIFT: "Deleterious"; PolyPhen-2: "Probably Damaging"; Align-GVGD: "Class C0"). This variant has not been reported in the literature in individuals affected with CLN6-related conditions. This variant is not present in population databases (gnomAD no frequency). This sequence change replaces glycine, which is neutral and non-polar, with serine, which is neutral and polar, at codon 130 of the CLN6 protein (p.Gly130Ser).